The following is an entry in ClinVar:

NM_016938.5(EFEMP2):c.1213G>C (p.Val405Leu)

Genes: EFEMP2 (EGF containing fibulin extracellular matrix protein 2; minus strand), MUS81 (MUS81 structure-specific endonuclease subunit; plus strand). Cytogenetic location: 11q13.1.
Variant type: single nucleotide variant.
Coding change: c.1213G>C on transcript NM_016938.5 (MANE Select); coding-DNA position 1213, G replaced by C.
Protein change: p.Val405Leu; replaces valine 405 with leucine.
Molecular consequence: missense variant. On other transcripts: non-coding transcript variant (1).
Genome position (GRCh38, 1-based): chr11:65,867,037, C>G on the plus strand (G>C on the coding strand, the complement: EFEMP2 is on the minus strand). VCF-style: chr11-65867037-C-G. GRCh37 (hg19) VCF-style: chr11-65634508-C-G.
Other names: short protein forms V405L.
Identifiers: ClinVar variation 2563686 (VCV002563686.2), dbSNP rs1859862180, ClinGen allele CA381349447.

ClinVar aggregate classification (germline): Uncertain significance (1 of 4 stars; one submission).

Conditions:
Cardiovascular phenotype. Identifiers: MedGen CN230736.

Allele frequency attached by ClinVar (database versions not stated): TOPMed below 0.00001.

Submission:

Ambry Genetics
Classification: Uncertain significance for Cardiovascular phenotype. Last evaluated: 2023-05-21. Review status: criteria provided, single submitter. Criteria: Ambry Variant Classification Scheme 2023. Collection method: clinical testing. Allele origin: germline.
Comment: The p.V405L variant (also known as c.1213G>C), located in coding exon 10 of the EFEMP2 gene, results from a G to C substitution at nucleotide position 1213. The valine at codon 405 is replaced by leucine, an amino acid with highly similar properties. This amino acid position is conserved. In addition, this alteration is predicted to be tolerated by in silico analysis. Since supporting evidence is limited at this time, the clinical significance of this alteration remains unclear.